The following is an entry in ClinVar:

ClinVar aggregate classification (germline): Likely benign (1 of 4 stars; one submission).

Allele frequency attached by ClinVar (database versions not stated): TOPMed 0.00001.
gnomAD v4.1: 5 of 1,585,166 alleles (0.00032%); highest among the groups gnomAD compares: Non-Finnish European, 0.00043%; no homozygotes.

Submission:

CeGaT Center for Human Genetics Tuebingen
Classification: Likely benign. Last evaluated: 2022-10-01. Review status: criteria provided, single submitter. Criteria: CeGaT Center For Human Genetics Tuebingen Variant Classification Criteria Version 2. Collection method: clinical testing. Allele origin: germline. Affected: yes. Observed: 1 variant allele.
Comment: UBR7: PM2:Supporting, BP4, BP7

NM_175748.4(UBR7):c.574T>C (p.Leu192=)

Gene: UBR7 (ubiquitin protein ligase E3 component n-recognin 7; plus strand). Cytogenetic location: 14q32.12.
Variant type: single nucleotide variant.
Coding change: c.574T>C on transcript NM_175748.4 (MANE Select); coding-DNA position 574, T replaced by C.
Protein change: p.Leu192=; no amino-acid change (leucine 192 retained).
Molecular consequence: synonymous variant. On other transcripts: non-coding transcript variant (1).
Genome position (GRCh38, 1-based): chr14:93,215,254, T>C. VCF-style: chr14-93215254-T-C. GRCh37 (hg19) VCF-style: chr14-93681600-T-C.
Other names: c.121T>C, p.Leu41= (NM_018108.2).
Identifiers: ClinVar variation 2644476 (VCV002644476.24), dbSNP rs1016007578, ClinGen allele CA487593821.